The following is an entry in ClinVar:

ClinVar aggregate classification (germline): Uncertain significance (1 of 4 stars; one submission).

Conditions:
Cortical dysplasia-focal epilepsy syndrome (PTHSL1). Also called: Pitt-Hopkins-like syndrome 1. Identifiers: Orphanet 163681, Orphanet 221150, MedGen C2750246, MONDO:0012400, OMIM 610042.

Submission:

Labcorp Genetics (formerly Invitae), Labcorp
Classification: Uncertain significance for Cortical dysplasia-focal epilepsy syndrome. Last evaluated: 2022-08-09. Review status: criteria provided, single submitter. Criteria: Invitae Variant Classification Sherloc (09022015). Collection method: clinical testing. Allele origin: germline.
Comment: In summary, the available evidence is currently insufficient to determine the role of this variant in disease. Therefore, it has been classified as a Variant of Uncertain Significance. This variant has not been reported in the literature in individuals affected with CNTNAP2-related conditions. This sequence change replaces alanine, which is neutral and non-polar, with threonine, which is neutral and polar, at codon 674 of the CNTNAP2 protein (p.Ala674Thr). This variant is not present in population databases (gnomAD no frequency). Algorithms developed to predict the effect of missense changes on protein structure and function are either unavailable or do not agree on the potential impact of this missense change (SIFT: "Deleterious"; PolyPhen-2: "Benign"; Align-GVGD: "Class C0").

NM_014141.6(CNTNAP2):c.2020G>A (p.Ala674Thr)

Gene: CNTNAP2 (contactin associated protein 2; plus strand). Cytogenetic location: 7q35.
Variant type: single nucleotide variant.
Coding change: c.2020G>A on transcript NM_014141.6 (MANE Select); coding-DNA position 2020, G replaced by A.
Protein change: p.Ala674Thr; replaces alanine 674 with threonine.
Molecular consequence: missense variant.
Genome position (GRCh38, 1-based): chr7:147,639,228, G>A. VCF-style: chr7-147639228-G-A. GRCh37 (hg19) VCF-style: chr7-147336320-G-A.
Other names: short protein forms A674T.
Identifiers: ClinVar variation 2083361 (VCV002083361.4), dbSNP rs1369270727, ClinGen allele CA369926308.
Genomic context (GRCh38, chr7:147,639,228, plus strand): 5'-AACCCAGAAAAATACTCAGTGACACAGCTCGTTTACAGCGCCTCCATGGACCAGATAAGT[G>A]CCATCACTGACAGTGCCGAGTACTGCGAGCAGTATGTCTCCTATTTCTGCAAGATGTCAA-3'
Protein context (NP_054860.1, residues 664-684): VYSASMDQIS[Ala674Thr]ITDSAEYCEQ